The following is an entry in ClinVar:

ClinVar aggregate classification (germline): Uncertain significance (1 of 4 stars; one submission).

Allele frequency attached by ClinVar (database versions not stated): ExAC 0.00005; ESP Exome Variant Server 0.00008; gnomAD 0.00014; TOPMed 0.00014.
gnomAD v4.1: 374 of 1,613,986 alleles (0.023%); highest among the groups gnomAD compares: Non-Finnish European, 0.03%; no homozygotes.

Submission:

Labcorp Genetics (formerly Invitae), Labcorp
Classification: Uncertain significance. Last evaluated: 2025-09-14. Review status: criteria provided, single submitter. Criteria: Invitae Variant Classification Sherloc (09022015). Collection method: clinical testing. Allele origin: germline.
Comment: This sequence change replaces leucine, which is neutral and non-polar, with isoleucine, which is neutral and non-polar, at codon 690 of the IGSF10 protein (p.Leu690Ile). This variant is present in population databases (rs200312019, gnomAD 0.02%). This variant has not been reported in the literature in individuals affected with IGSF10-related conditions. ClinVar contains an entry for this variant (Variation ID: 2729113). An algorithm developed to predict the effect of missense changes on protein structure and function (PolyPhen-2) suggests that this variant is likely to be tolerated. In summary, the available evidence is currently insufficient to determine the role of this variant in disease. Therefore, it has been classified as a Variant of Uncertain Significance.

NM_178822.5(IGSF10):c.2068C>A (p.Leu690Ile)

Gene: IGSF10 (immunoglobulin superfamily member 10; minus strand). Cytogenetic location: 3q25.1.
Variant type: single nucleotide variant.
Coding change: c.2068C>A on transcript NM_178822.5 (MANE Select); coding-DNA position 2068, C replaced by A.
Protein change: p.Leu690Ile; replaces leucine 690 with isoleucine.
Molecular consequence: missense variant.
Genome position (GRCh38, 1-based): chr3:151,447,913, G>T on the plus strand (C>A on the coding strand, the complement: IGSF10 is on the minus strand). VCF-style: chr3-151447913-G-T. GRCh37 (hg19) VCF-style: chr3-151165701-G-T.
Other names: c.2068C>A, p.Leu690Ile (NM_001385060.1, NM_001385061.1, NM_001385062.1 and 1 more transcripts); short protein forms L690I.
Identifiers: ClinVar variation 2729113 (VCV002729113.3), dbSNP rs200312019, ClinGen allele CA2670421.